The following is an entry in ClinVar:

NM_025137.4(SPG11):c.3453+5A>G

Gene: SPG11 (SPG11 vesicle trafficking associated, spatacsin; minus strand). Cytogenetic location: 15q21.1.
Variant type: single nucleotide variant.
Coding change: c.3453+5A>G on transcript NM_025137.4 (MANE Select); 5 bases into the intron after coding-DNA position 3453, A replaced by G.
Molecular consequence: intron variant.
Genome position (GRCh38, 1-based): chr15:44,608,439, T>C on the plus strand (A>G on the coding strand, the complement: SPG11 is on the minus strand). VCF-style: chr15-44608439-T-C. GRCh37 (hg19) VCF-style: chr15-44900637-T-C.
Other names: c.3453+5A>G (NM_001160227.2).
Identifiers: ClinVar variation 391841 (VCV000391841.44), dbSNP rs983973496, ClinGen allele CA16607785.

ClinVar aggregate classification (germline): Conflicting classifications of pathogenicity. Review status: criteria provided, conflicting classifications (1 of 4 stars). 6 submissions from 6 submitters: Uncertain significance (4); Likely benign (1). 1 of the submissions does not count toward it. Last evaluated 2024-06-01.

Conditions:
SPG11-related disorder. Also called: SPG11-related condition.
Inborn genetic diseases. Identifiers: MedGen C0950123, MeSH D030342.
Hereditary spastic paraplegia 11. Also called: Spastic Paraplegia 11; Nakamura Osame syndrome; Autosomal recessive hereditary spastic paraplegia, mental impairment, and thin corpus callosum; Spastic paraplegia, mental retardation and thin corpus callosum; SPASTIC PARAPLEGIA, AUTOSOMAL RECESSIVE, COMPLICATED, WITH THIN CORPUS CALLOSUM; SPASTIC PARAPLEGIA, AUTOSOMAL RECESSIVE, WITH MENTAL IMPAIRMENT AND THIN CORPUS CALLOSUM. Identifiers: Orphanet 2822, MedGen C1858479, MONDO:0011445, OMIM 604360.

Allele frequency attached by ClinVar (database versions not stated): gnomAD exomes below 0.00001 and 0.00002; TOPMed below 0.00001; gnomAD 0.00001.
gnomAD v4.1: 42 of 1,613,882 alleles (0.0026%); highest among the groups gnomAD compares: Non-Finnish European, 0.0029%; no homozygotes.

Submissions (6):

CeGaT Center for Human Genetics Tuebingen
Classification: Uncertain significance. Last evaluated: 2024-06-01. Review status: criteria provided, single submitter. Criteria: CeGaT Center For Human Genetics Tuebingen Variant Classification Criteria Version 2. Collection method: clinical testing. Allele origin: germline. Affected: yes. Observed: 3 variant alleles.
Comment: SPG11: PM2, BP4

Ambry Genetics
Classification: Uncertain significance for Inborn genetic diseases. Last evaluated: 2023-09-25. Review status: criteria provided, single submitter. Criteria: Ambry Variant Classification Scheme 2023. Collection method: clinical testing. Allele origin: germline.
Comment: The c.3453+5A>G intronic alteration consists of a A to G substitution nucleotides after coding exon 19 in the SPG11 gene. Based on insufficient or conflicting evidence, the clinical significance of this alteration remains unclear.

Labcorp Genetics (formerly Invitae), Labcorp
Classification: Uncertain significance for Hereditary spastic paraplegia 11. Last evaluated: 2022-05-25. Review status: criteria provided, single submitter. Criteria: Invitae Variant Classification Sherloc (09022015). Collection method: clinical testing. Allele origin: germline.
Comment: This sequence change falls in intron 19 of the SPG11 gene. It does not directly change the encoded amino acid sequence of the SPG11 protein. It affects a nucleotide within the consensus splice site. This variant is present in population databases (no rsID available, gnomAD 0.002%). This variant has not been reported in the literature in individuals affected with SPG11-related conditions. ClinVar contains an entry for this variant (Variation ID: 391841). Variants that disrupt the consensus splice site are a relatively common cause of aberrant splicing (PMID: 17576681, 9536098). Algorithms developed to predict the effect of sequence changes on RNA splicing suggest that this variant is not likely to affect RNA splicing. In summary, the available evidence is currently insufficient to determine the role of this variant in disease. Therefore, it has been classified as a Variant of Uncertain Significance.

Illumina Laboratory Services, Illumina
Classification: Uncertain significance for Hereditary spastic paraplegia 11. Last evaluated: 2018-01-13. Review status: criteria provided, single submitter. Criteria: ICSL Variant Classification Criteria 13 December 2019. Collection method: clinical testing. Allele origin: germline.

GeneDx
Classification: Likely benign. Last evaluated: 2017-01-06. Review status: criteria provided, single submitter. Criteria: GeneDx Variant Classification (06012015). Collection method: clinical testing. Allele origin: germline. Affected: yes.
Comment: This variant is considered likely benign or benign based on one or more of the following criteria: it is a conservative change, it occurs at a poorly conserved position in the protein, it is predicted to be benign by multiple in silico algorithms, and/or has population frequency not consistent with disease.

PreventionGenetics, part of Exact Sciences
Classification: Likely benign for SPG11-related condition. Last evaluated: 2020-10-14. Review status: no assertion criteria provided. Collection method: clinical testing. Allele origin: germline. Not counted in ClinVar's aggregate classification.
Comment: This variant is classified as likely benign based on ACMG/AMP sequence variant interpretation guidelines (Richards et al. 2015 PMID: 25741868, with internal and published modifications).

Literature cited by the submitters: PubMed 17576681 (cited by Labcorp Genetics (formerly Invitae), Labcorp); PubMed 9536098 (cited by Labcorp Genetics (formerly Invitae), Labcorp).